The following is an entry in ClinVar:

NM_001006658.3(CR2):c.2979A>G (p.Gly993=)

Gene: CR2 (complement C3d receptor 2; plus strand). Cytogenetic location: 1q32.2.
Variant type: single nucleotide variant.
Coding change: c.2979A>G on transcript NM_001006658.3 (MANE Select); coding-DNA position 2979, A replaced by G.
Protein change: p.Gly993=; no amino-acid change (glycine 993 retained).
Molecular consequence: synonymous variant.
Genome position (GRCh38, 1-based): chr1:207,477,961, A>G. VCF-style: chr1-207477961-A-G. GRCh37 (hg19) VCF-style: chr1-207651306-A-G.
Other names: c.2802A>G, p.Gly934= (NM_001877.5).
Identifiers: ClinVar variation 3057669 (VCV003057669.2), dbSNP rs2527233481, ClinGen allele CA422957015.

ClinVar aggregate classification (germline): Likely benign (0 of 4 stars; one submission).

Conditions:
CR2-related disorder. Also called: CR2-related disorders; CR2-related condition.

Submission:

PreventionGenetics, part of Exact Sciences
Classification: Likely benign for CR2-related condition. Last evaluated: 2019-04-25. Review status: no assertion criteria provided. Collection method: clinical testing. Allele origin: germline.
Comment: This variant is classified as likely benign based on ACMG/AMP sequence variant interpretation guidelines (Richards et al. 2015 PMID: 25741868, with internal and published modifications).